The following is an entry in ClinVar:

NM_006922.4(SCN3A):c.3695A>G (p.Gln1232Arg)

Gene: SCN3A (sodium voltage-gated channel alpha subunit 3; minus strand). Cytogenetic location: 2q24.3.
Variant type: single nucleotide variant.
Coding change: c.3695A>G on transcript NM_006922.4 (MANE Select); coding-DNA position 3695, A replaced by G.
Protein change: p.Gln1232Arg; replaces glutamine 1232 with arginine.
Molecular consequence: missense variant.
Genome position (GRCh38, 1-based): chr2:165,113,033, T>C on the plus strand (A>G on the coding strand, the complement: SCN3A is on the minus strand). VCF-style: chr2-165113033-T-C. GRCh37 (hg19) VCF-style: chr2-165969543-T-C.
Other names: c.3548A>G, p.Gln1183Arg (NM_001081676.2, NM_001081677.2); short protein forms Q1183R, Q1232R.
Identifiers: ClinVar variation 3360775 (VCV003360775.1).

ClinVar aggregate classification (germline): Uncertain significance (1 of 4 stars; one submission).

Submission:

GeneDx
Classification: Uncertain significance. Last evaluated: 2023-06-30. Review status: criteria provided, single submitter. Criteria: GeneDx Variant Classification Process June 2021. Collection method: clinical testing. Allele origin: germline. Affected: yes.
Comment: Not observed at significant frequency in large population cohorts (gnomAD); In silico analysis supports that this missense variant has a deleterious effect on protein structure/function; Has not been previously published as pathogenic or benign to our knowledge